The following is an entry in ClinVar:

NC_000002.12:g.(?_58159755)_(58165884_?)del

Genes: FANCL (FA complementation group L; minus strand), VRK2 (VRK serine/threonine kinase 2; plus strand), LOC129388866 (MPRA-validated peak3710 silencer; plus strand). Cytogenetic location: 2p16.1.
Variant type: Deletion.
Identifiers: ClinVar variation 659599 (VCV000659599.1).

ClinVar aggregate classification (germline): Likely pathogenic (1 of 4 stars; one submission).

Conditions:
Fanconi anemia (FA). Also called: Fanconi's anemia. Identifiers: Orphanet 84, MedGen C0015625, MeSH D005199, MONDO:0019391.

Submission:

Labcorp Genetics (formerly Invitae), Labcorp
Classification: Likely pathogenic for Fanconi anemia. Last evaluated: 2018-08-13. Review status: criteria provided, single submitter. Criteria: Invitae Variant Classification Sherloc (09022015). Collection method: clinical testing. Allele origin: germline.
Comment: This variant is a gross deletion of the genomic region encompassing exons 8-14 of the FANCL gene. The 5' boundary is likely confined to intron 7. The 3' end of this event is unknown as it extends through the termination codon beyond the assayed region for this gene and may encompass additional genes. While this deletion is not anticipated to result in nonsense mediated decay, it is expected to create a truncated protein product or disrupt mRNA translation. This variant has not been reported in the literature in individuals with FANCL-related disease. This variant disruptsÂ¬â€ a large part of the double-RWD (DRWD) domain of the FANCL protein that is required for the interaction with its substrate, the FANCD2-FANCI complex. In addition, this variant deletes the C-terminal RING domain of the FANCL protein, which selectively recruits the E2-ubiquitin conjugating enzyme, UBE2T, for the mono-ubiquitination of the D2/I complex (PMID:Â¬â€ 20154706,Â¬â€ 26149689). This indicates that this region is important for protein function. In summary, the currently available evidence indicates that the variant is pathogenic, but additional data are needed to prove that conclusively. Therefore, this variant has been classified as Likely Pathogenic.